The following is an entry in ClinVar:

NM_000355.4(TCN2):c.323A>G (p.Tyr108Cys)

Gene: TCN2 (transcobalamin 2; plus strand). Cytogenetic location: 22q12.2.
Variant type: single nucleotide variant.
Coding change: c.323A>G on transcript NM_000355.4 (MANE Select); coding-DNA position 323, A replaced by G.
Protein change: p.Tyr108Cys; replaces tyrosine 108 with cysteine.
Molecular consequence: missense variant.
Genome position (GRCh38, 1-based): chr22:30,612,938, A>G. VCF-style: chr22-30612938-A-G. GRCh37 (hg19) VCF-style: chr22-31008925-A-G.
Other names: c.323A>G, p.Tyr108Cys (NM_001184726.2); short protein forms Y108C.
Identifiers: ClinVar variation 2159941 (VCV002159941.1), dbSNP rs781309237, ClinGen allele CA10184583.

ClinVar aggregate classification (germline): Uncertain significance (1 of 4 stars; one submission).

Conditions:
Transcobalamin II deficiency (TCN2D). Also called: TC II DEFICIENCY; TCN2 DEFICIENCY; Transcolabamin II deficiency. Identifiers: Orphanet 859, MedGen C0342701, MONDO:0010149, OMIM 275350.

gnomAD v4.1: 2 of 1,614,078 alleles (0.00012%); highest among the groups gnomAD compares: South Asian, 0.0011%; no homozygotes.

Submission:

Labcorp Genetics (formerly Invitae), Labcorp
Classification: Uncertain significance for Transcobalamin II deficiency. Last evaluated: 2022-03-11. Review status: criteria provided, single submitter. Criteria: Invitae Variant Classification Sherloc (09022015). Collection method: clinical testing. Allele origin: germline.
Comment: This sequence change replaces tyrosine, which is neutral and polar, with cysteine, which is neutral and slightly polar, at codon 108 of the TCN2 protein (p.Tyr108Cys). This variant is present in population databases (rs781309237, gnomAD 0.003%). This variant has not been reported in the literature in individuals affected with TCN2-related conditions. Algorithms developed to predict the effect of missense changes on protein structure and function (SIFT, PolyPhen-2, Align-GVGD) all suggest that this variant is likely to be disruptive. In summary, the available evidence is currently insufficient to determine the role of this variant in disease. Therefore, it has been classified as a Variant of Uncertain Significance.